The following is an entry in ClinVar:

NM_016252.4(BIRC6):c.13398G>A (p.Ala4466=)

Gene: BIRC6 (baculoviral IAP repeat containing 6; plus strand). Cytogenetic location: 2p22.3.
Variant type: single nucleotide variant.
Coding change: c.13398G>A on transcript NM_016252.4 (MANE Select); coding-DNA position 13398, G replaced by A.
Protein change: p.Ala4466=; no amino-acid change (alanine 4466 retained).
Molecular consequence: synonymous variant.
Genome position (GRCh38, 1-based): chr2:32,593,957, G>A. VCF-style: chr2-32593957-G-A. GRCh37 (hg19) VCF-style: chr2-32819024-G-A.
Other names: c.13395G>A, p.Ala4465= (NM_001378125.1).
Identifiers: ClinVar variation 795121 (VCV000795121.28), dbSNP rs138518623, ClinGen allele CA1605528.

ClinVar aggregate classification (germline): Benign/Likely benign. Review status: criteria provided, multiple submitters, no conflicts (2 of 4 stars). 3 submissions from 3 submitters: Benign (2); Likely benign (1). Last evaluated 2022-07-01.

Allele frequency attached by ClinVar (database versions not stated): 1000 Genomes Project 30x 0.00031; gnomAD 0.00036 and 0.00038; TOPMed 0.00038; 1000 Genomes Project 0.00040; gnomAD exomes 0.00043 and 0.00083; ESP Exome Variant Server 0.00062; ExAC 0.00073.
gnomAD v4.1: 745 of 1,613,424 alleles (0.046%); highest among the groups gnomAD compares: Middle Eastern, 0.3%; 4 homozygotes.

Submissions (3):

CeGaT Center for Human Genetics Tuebingen
Classification: Likely benign. Last evaluated: 2022-07-01. Review status: criteria provided, single submitter. Criteria: CeGaT Center For Human Genetics Tuebingen Variant Classification Criteria Version 2. Collection method: clinical testing. Allele origin: germline. Affected: yes. Observed: 1 variant allele.
Comment: BIRC6: BP4, BP7

Labcorp Genetics (formerly Invitae), Labcorp
Classification: Benign. Last evaluated: 2018-11-28. Review status: criteria provided, single submitter. Criteria: Invitae Variant Classification Sherloc (09022015). Collection method: clinical testing. Allele origin: germline.

Breakthrough Genomics
Classification: Benign. Review status: criteria provided, single submitter. Criteria: ACMG Guidelines, 2015. Collection method: not provided. Allele origin: germline. Inheritance: Unknown mechanism. Affected: yes.